The following is an entry in ClinVar:

NM_020738.4(KIDINS220):c.3260G>A (p.Gly1087Asp)

Gene: KIDINS220 (kinase D interacting substrate 220; minus strand). Cytogenetic location: 2p25.1.
Variant type: single nucleotide variant.
Coding change: c.3260G>A on transcript NM_020738.4 (MANE Select); coding-DNA position 3260, G replaced by A.
Protein change: p.Gly1087Asp; replaces glycine 1087 with aspartic acid.
Molecular consequence: missense variant. On other transcripts: non-coding transcript variant (2).
Genome position (GRCh38, 1-based): chr2:8,750,266, C>T on the plus strand (G>A on the coding strand, the complement: KIDINS220 is on the minus strand). VCF-style: chr2-8750266-C-T. GRCh37 (hg19) VCF-style: chr2-8890396-C-T.
Other names: c.3260G>A (NM_020738.2); c.3263G>A, p.Gly1088Asp (NM_001348729.2, NM_001348731.2, NM_001348734.2 and 2 more transcripts); c.3260G>A, p.Gly1087Asp (NM_001348732.2, NM_001348735.2, NM_001348738.2 and 3 more transcripts); c.3134G>A, p.Gly1045Asp (NM_001348736.2); short protein forms G1045D, G1088D, G1087D.
Identifiers: ClinVar variation 1934620 (VCV001934620.6), dbSNP rs2148047904, ClinGen allele CA345771791.
Genomic context (GRCh38, chr2:8,750,266, plus strand): 5'-AAGGACGTGGAAGAGCACACGGATGGGGGCTGGCTGTACCCTGATGGCGCCCTAGGAGGA[C>T]CCTCATGTAGAGGGAGCGGGGGGTACGCCAGTCCTCCAATACTGATCTGCTCTCTGGCAG-3'
Protein context (NP_065789.1, residues 1077-1097): LAYPPLPLHE[Gly1087Asp]PPRAPSGYSQ

ClinVar aggregate classification (germline): Uncertain significance. Review status: criteria provided, multiple submitters, no conflicts (2 of 4 stars). 2 submissions from 2 submitters: Uncertain significance (2). Last evaluated 2026-06-10.

Conditions:
KIDINS220-related disorder. Also called: KIDINS220-related condition.

gnomAD v4.1: 1 of 1,613,874 alleles (0.000062%); no homozygotes.

Submissions (2):

PreventionGenetics, part of Exact Sciences
Classification: Uncertain significance for KIDINS220-related condition. Last evaluated: 2026-06-10. Review status: criteria provided, single submitter. Criteria: ACMG Guidelines, 2015. Collection method: clinical testing. Allele origin: germline.
Comment: The KIDINS220 c.3260G>A variant is predicted to result in the amino acid substitution p.Gly1087Asp. To our knowledge, this variant has not been reported in the literature or in a large population database (gnomAD), indicating this variant is rare. At this time, the clinical significance of this variant is uncertain due to the absence of conclusive functional and genetic evidence.

Labcorp Genetics (formerly Invitae), Labcorp
Classification: Uncertain significance. Last evaluated: 2022-08-02. Review status: criteria provided, single submitter. Criteria: Invitae Variant Classification Sherloc (09022015). Collection method: clinical testing. Allele origin: germline.
Comment: In summary, the available evidence is currently insufficient to determine the role of this variant in disease. Therefore, it has been classified as a Variant of Uncertain Significance. Algorithms developed to predict the effect of missense changes on protein structure and function (SIFT, PolyPhen-2, Align-GVGD) all suggest that this variant is likely to be tolerated. This variant has not been reported in the literature in individuals affected with KIDINS220-related conditions. This variant is not present in population databases (gnomAD no frequency). This sequence change replaces glycine, which is neutral and non-polar, with aspartic acid, which is acidic and polar, at codon 1087 of the KIDINS220 protein (p.Gly1087Asp).